The following is an entry in ClinVar:

NM_003803.4(MYOM1):c.2746C>T (p.Pro916Ser)

Gene: MYOM1 (myomesin 1; minus strand). Cytogenetic location: 18p11.31.
Variant type: single nucleotide variant.
Coding change: c.2746C>T on transcript NM_003803.4 (MANE Select); coding-DNA position 2746, C replaced by T.
Protein change: p.Pro916Ser; replaces proline 916 with serine.
Molecular consequence: missense variant. On other transcripts: intron variant (1).
Genome position (GRCh38, 1-based): chr18:3,129,280, G>A on the plus strand (C>T on the coding strand, the complement: MYOM1 is on the minus strand). VCF-style: chr18-3129280-G-A. GRCh37 (hg19) VCF-style: chr18-3129278-G-A.
Other names: c.2506+2095C>T (NM_019856.2); short protein forms P916S.
Identifiers: ClinVar variation 2987469 (VCV002987469.3), dbSNP rs773682655, ClinGen allele CA401709656.
Genomic context (GRCh38, chr18:3,129,280, plus strand): 5'-CTCAACTCTCACCTCTGTCTGTCTTCTTTTTCAGGGGGTCAGACTTACTTTTCCCCTGAG[G>A]AGCCGCTTTCTGTGGTGGCGGGGTAAGCTCTTCCTGAACTGTTTCACTTACTTTACTCAC-3'
Protein context (NP_003794.3, residues 906-926): ELTPPPQKAA[Pro916Ser]QGKSKSDPLK

ClinVar aggregate classification (germline): Uncertain significance (1 of 4 stars; one submission).

Conditions:
Hypertrophic cardiomyopathy. Also called: HYPERTROPHIC MYOCARDIOPATHY. Identifiers: Orphanet 217569, MedGen C0007194, MeSH D002312, MONDO:0005045, HP:0001639.

Submission:

Labcorp Genetics (formerly Invitae), Labcorp
Classification: Uncertain significance for Hypertrophic cardiomyopathy. Last evaluated: 2023-09-18. Review status: criteria provided, single submitter. Criteria: Invitae Variant Classification Sherloc (09022015). Collection method: clinical testing. Allele origin: germline.
Comment: This variant has not been reported in the literature in individuals affected with MYOM1-related conditions. Algorithms developed to predict the effect of missense changes on protein structure and function output the following: SIFT: "Not Available"; PolyPhen-2: "Benign"; Align-GVGD: "Not Available". The serine amino acid residue is found in multiple mammalian species, which suggests that this missense change does not adversely affect protein function. In summary, the available evidence is currently insufficient to determine the role of this variant in disease. Therefore, it has been classified as a Variant of Uncertain Significance. This variant is not present in population databases (gnomAD no frequency). This sequence change replaces proline, which is neutral and non-polar, with serine, which is neutral and polar, at codon 916 of the MYOM1 protein (p.Pro916Ser).